The following is an entry in ClinVar:

NM_015702.3(MMADHC):c.461C>G (p.Pro154Arg)

Gene: MMADHC (metabolism of cobalamin associated D; minus strand). Cytogenetic location: 2q23.2.
Variant type: single nucleotide variant.
Coding change: c.461C>G on transcript NM_015702.3 (MANE Select); coding-DNA position 461, C replaced by G.
Protein change: p.Pro154Arg; replaces proline 154 with arginine.
Molecular consequence: missense variant.
Genome position (GRCh38, 1-based): chr2:149,576,454, G>C on the plus strand (C>G on the coding strand, the complement: MMADHC is on the minus strand). VCF-style: chr2-149576454-G-C. GRCh37 (hg19) VCF-style: chr2-150432968-G-C.
Other names: short protein forms P154R.
Identifiers: ClinVar variation 1489458 (VCV001489458.5), dbSNP rs1226772166, ClinGen allele CA348870258.

ClinVar aggregate classification (germline): Uncertain significance (1 of 4 stars; one submission).

Conditions:
Methylmalonic aciduria and homocystinuria type cblD (MAHCD). Also called: Methylmalonic aciduria with homocystinuria cblD type; METHYLMALONIC ACIDEMIA, cblH TYPE. Identifiers: Orphanet 622, Orphanet 79283, MedGen C1848552, MONDO:0010185, OMIM 277410.

Allele frequency attached by ClinVar (database versions not stated): gnomAD exomes below 0.00001.
gnomAD v4.1: 3 of 1,609,914 alleles (0.00019%); highest among the groups gnomAD compares: Admixed American, 0.005%; no homozygotes.

Submission:

Labcorp Genetics (formerly Invitae), Labcorp
Classification: Uncertain significance for Methylmalonic aciduria and homocystinuria type cblD. Last evaluated: 2021-08-27. Review status: criteria provided, single submitter. Criteria: Invitae Variant Classification Sherloc (09022015). Collection method: clinical testing. Allele origin: germline.
Comment: This sequence change replaces proline with arginine at codon 154 of the MMADHC protein (p.Pro154Arg). The proline residue is highly conserved and there is a moderate physicochemical difference between proline and arginine. This variant is not present in population databases (ExAC no frequency). This variant has not been reported in the literature in individuals affected with MMADHC-related conditions. Algorithms developed to predict the effect of missense changes on protein structure and function (SIFT, PolyPhen-2, Align-GVGD) all suggest that this variant is likely to be disruptive. In summary, the available evidence is currently insufficient to determine the role of this variant in disease. Therefore, it has been classified as a Variant of Uncertain Significance.